The following is an entry in ClinVar:

NM_000518.4(HBB):c.374C>T (p.Pro125Leu)

Genes: HBB (hemoglobin subunit beta; minus strand), LOC110006319 (beta-globin gene 3' regulatory region; plus strand), LOC107133510 (origin of replication at HBB; plus strand). Cytogenetic location: 11p15.4.
Variant type: single nucleotide variant.
Coding change: c.374C>T on transcript NM_000518.4; coding-DNA position 374, C replaced by T.
Protein change: p.Pro125Leu; replaces proline 125 with leucine.
Molecular consequence: missense variant (on NM_000518.5).
Genome position (GRCh38, 1-based): chr11:5,225,668, G>A on the plus strand (C>T on the coding strand, the complement: HBB is on the minus strand). VCF-style: chr11-5225668-G-A. GRCh37 (hg19) VCF-style: chr11-5246898-G-A.
Other names: P124L; c.374C>T, p.Pro125Leu (NM_000518.5); short protein forms P125L.
Identifiers: ClinVar variation 15569 (VCV000015569.12), dbSNP rs33983276, ClinGen allele CA125462.

ClinVar aggregate classification (germline): Uncertain significance. Review status: criteria provided, multiple submitters, no conflicts (2 of 4 stars). 4 submissions from 4 submitters: Uncertain significance (3). 1 of the submissions does not count toward it. Last evaluated 2020-05-06.

Conditions:
HEMOGLOBIN TENDE.

Submissions (4):

Women's Health and Genetics/Laboratory Corporation of America, LabCorp
Classification: Uncertain significance. Last evaluated: 2020-05-06. Review status: criteria provided, single submitter. Criteria: LabCorp Variant Classification Summary - May 2015. Collection method: clinical testing. Allele origin: germline.
Comment: Variant summary: HBB c.374C>T (p.Pro125Leu) results in a non-conservative amino acid change located in the Globin domain (IPR000971) of the encoded protein sequence. This variant is also known in the literature as "Hemoglobin Tende" or as the legacy name p.Pro124Leu. Four of five in-silico tools predict a damaging effect of the variant on protein function. The variant was absent in 251306 control chromosomes. The available data on variant occurrences in the general population are insufficient to allow any conclusion about variant significance. c.374C>T has been reported in the literature in at least two asymptomatic carriers with hemoglobin variants (examples- Wajcman_1998, Sangkitporn_2008). These reports do not provide unequivocal conclusions about association of the variant with Hemoglobinopathy. At least one publication reports experimental evidence evaluating an impact on protein function, indicating that the variant results in a 30-50% increase in oxygen affinity (Wajcman_1998). Two of three ClinVar submitters (evaluation after 2014) cite the variant as uncertain significance (one submitter did not provide a clinical classification). Based on the evidence outlined above, the variant was classified as uncertain significance.

ARUP Laboratories, Molecular Genetics and Genomics, ARUP Laboratories
Classification: Uncertain significance. Last evaluated: 2019-02-08. Review status: criteria provided, single submitter. Criteria: ARUP Molecular Germline Variant Investigation Process. Collection method: clinical testing. Allele origin: germline.
Comment: The Hb Tende variant (HBB: c.374C>T; p.Pro125Leu, also known as Pro124Leu when numbered from the mature protein, rs33983276) is described as having a normal clinical presentation in heterozygous carriers (see HbVar database, Sangkitporn 2009); however, its phenotype when found with a pathogenic HBB variant on the opposite chromosome is unknown. Functional studies show a moderate increase in oxygen affinity (see HbVar database). A different variant at this codon (Hb Ty Gard: c.374C>A; p.Pro125Gln) is reported with high oxygen affinity and is associated with erythrocytosis (see HbVar database). The Hb Tende variant contains an entry in the ClinVar database (Variation ID: 15569). It is absent from general population databases (Exome Variant Server, Genome Aggregation Database), indicating it is not a common polymorphism. The proline at codon 125 is highly conserved, but computational analyses (SIFT: Damaging, PolyPhen-2: Benign) predict conflicting effects of this variant on protein structure/function. Due to limited information, the clinical significance of the Hb Tende variant is uncertain at this time. REFERENCES HbVar link for Hb Tende: HbVar link for Hb Ty Gard: Sangkitporn SK et al. Identification of beta-globin gene mutations in Thailand using an automated fluorescence-based DNA sequencer. Int J Lab Hematol. 2009 Oct;31(5):521-7.

Quest Diagnostics Nichols Institute San Juan Capistrano
Classification: Uncertain significance. Last evaluated: 2017-12-07. Review status: criteria provided, single submitter. Criteria: Quest Diagnostics criteria. Collection method: clinical testing. Allele origin: germline.

OMIM
Classification: other for HEMOGLOBIN TENDE. Last evaluated: 2017-12-12. Review status: no assertion criteria provided. Collection method: literature only. Allele origin: germline. Not counted in ClinVar's aggregate classification.

Literature cited by the submitters: PubMed 9859935 (cited by Women's Health and Genetics/Laboratory Corporation of America, LabCorp and OMIM); PubMed 19429541 (cited by Women's Health and Genetics/Laboratory Corporation of America, LabCorp); PubMed 18498386 (cited by Women's Health and Genetics/Laboratory Corporation of America, LabCorp).